The following is an entry in ClinVar:

NM_001866.3(COX7B):c.74G>A (p.Ser25Asn)

Gene: COX7B (cytochrome c oxidase subunit 7B; plus strand). Cytogenetic location: Xq21.1.
Variant type: single nucleotide variant.
Coding change: c.74G>A on transcript NM_001866.3 (MANE Select); coding-DNA position 74, G replaced by A.
Protein change: p.Ser25Asn; replaces serine 25 with asparagine.
Molecular consequence: missense variant.
Genome position (GRCh38, 1-based): chrX:77,902,676, G>A. VCF-style: chrX-77902676-G-A. GRCh37 (hg19) VCF-style: chrX-77158173-G-A.
Other names: short protein forms S25N.
Identifiers: ClinVar variation 2996260 (VCV002996260.3), dbSNP rs1400071124, ClinGen allele CA413715111.

ClinVar aggregate classification (germline): Uncertain significance (1 of 4 stars; one submission).

Allele frequency attached by ClinVar (database versions not stated): gnomAD exomes below 0.00001; TOPMed 0.00004; gnomAD 0.00005.
gnomAD v4.1: 6 of 1,207,882 alleles (0.0005%); highest among the groups gnomAD compares: African/African-American, 0.0087%; no homozygotes.

Submission:

Labcorp Genetics (formerly Invitae), Labcorp
Classification: Uncertain significance. Last evaluated: 2023-05-29. Review status: criteria provided, single submitter. Criteria: Invitae Variant Classification Sherloc (09022015). Collection method: clinical testing. Allele origin: germline.
Comment: This variant has not been reported in the literature in individuals affected with COX7B-related conditions. In summary, the available evidence is currently insufficient to determine the role of this variant in disease. Therefore, it has been classified as a Variant of Uncertain Significance. Algorithms developed to predict the effect of missense changes on protein structure and function output the following: SIFT: "Not Available"; PolyPhen-2: "Benign"; Align-GVGD: "Not Available". The asparagine amino acid residue is found in multiple mammalian species, which suggests that this missense change does not adversely affect protein function. This variant is present in population databases (no rsID available, gnomAD 0.01%). This sequence change replaces serine, which is neutral and polar, with asparagine, which is neutral and polar, at codon 25 of the COX7B protein (p.Ser25Asn).